The following is an entry in ClinVar:

ClinVar aggregate classification (germline): Likely pathogenic (1 of 4 stars; one submission).

Conditions:
Neuronal ceroid lipofuscinosis 2. Also called: TPP1-Related Neuronal Ceroid-Lipofuscinosis; JANSKY-BIELSCHOWSKY DISEASE NEURONAL CEROID LIPOFUSCINOSIS, LATE INFANTILE. Identifiers: Orphanet 168491, Orphanet 228349, Orphanet 79264, MedGen C1876161, MONDO:0008769, OMIM 204500.

Submission:

Natera, Inc.
Classification: Likely pathogenic for Neuronal ceroid lipofuscinosis 2. Last evaluated: 2025-03-27. Review status: criteria provided, single submitter. Criteria: Natera Variant Classification Schema (03/2026). Collection method: clinical testing. Allele origin: germline.
Comment: The c.1414del variant in TPP1 is a frameshift variant predicted to shift the reading frame beginning at codon 472 and leads to a stop codon 16 codons downstream. This variant is expected to result in nonsense mediated decay, truncation, or a dysfunctional protein product. This variant is rare in the general population with a frequency below the threshold expected for the associated phenotype(s). Given the available evidence, this variant is classified as Likely Pathogenic.

NM_000391.4(TPP1):c.1414del (p.Ser472fs)

Gene: TPP1 (tripeptidyl peptidase 1; minus strand). Cytogenetic location: 11p15.4.
Variant type: Deletion.
Coding change: c.1414del on transcript NM_000391.4 (MANE Select); coding-DNA position 1414, one base deleted (T; older notation c.1414delT).
Protein change: p.Ser472fs; shifts the reading frame from serine 472.
Molecular consequence: frameshift variant.
Genome position (GRCh38, 1-based): chr11:6,615,182, A deleted on the plus strand (T on the coding strand, the reverse complement: TPP1 is on the minus strand). VCF-style (leftmost placement, unchanged base first): chr11-6615181-GA-G. GRCh37 (hg19) VCF-style: chr11-6636412-GA-G.
Other names: short protein forms S472fs.
Identifiers: ClinVar variation 4062351 (VCV004062351.2).